The following is an entry in ClinVar:

ClinVar aggregate classification (germline): Conflicting classifications of pathogenicity. Review status: criteria provided, conflicting classifications (1 of 4 stars). 8 submissions from 8 submitters: Pathogenic (7); Uncertain significance (1). Last evaluated 2025-09-26.

Conditions:
Usher syndrome. Also called: Usher Syndromes; Usher's syndrome. Identifiers: Orphanet 886, MedGen CN469326, MeSH D052245, MONDO:0019501. Disease mechanism: loss of function.
USH2A-related disorder. Also called: USH2A-related condition; USH2A-related disorders. Identifiers: MedGen CN239332.
Usher syndrome type 2A. Also called: USHER SYNDROME, TYPE IIA; RETINAL DISEASE IN USHER SYNDROME TYPE IIA, MODIFIER OF. Identifiers: Orphanet 231178, Orphanet 886, MedGen C1848634, MONDO:0010169, OMIM 276901.
Retinitis pigmentosa 39 (RP39). Identifiers: Orphanet 791, MedGen C3151138, MONDO:0013436, OMIM 613809.

Allele frequency attached by ClinVar (database versions not stated): gnomAD exomes below 0.00001 and 0.00001; ExAC 0.00001.
gnomAD v4.1: 3 of 1,613,270 alleles (0.00019%); highest among the groups gnomAD compares: Admixed American, 0.0017%; no homozygotes.

Submissions (8):

Labcorp Genetics (formerly Invitae), Labcorp
Classification: Pathogenic. Last evaluated: 2025-09-26. Review status: criteria provided, single submitter. Criteria: Invitae Variant Classification Sherloc (09022015). Collection method: clinical testing. Allele origin: germline.
Comment: This sequence change replaces glutamic acid, which is acidic and polar, with lysine, which is basic and polar, at codon 511 of the USH2A protein (p.Glu511Lys). The frequency data for this variant in the population databases is considered unreliable, as metrics indicate poor data quality at this position in the gnomAD database. This missense change has been observed in individual(s) with Usher syndrome and inherited retinal dystrophy (PMID: 24944099, 27460420, 30459346, 33576794; internal data). In at least one individual the data is consistent with being in trans (on the opposite chromosome) from a pathogenic variant. ClinVar contains an entry for this variant (Variation ID: 806356). Invitae Evidence Modeling of protein sequence and biophysical properties (such as structural, functional, and spatial information, amino acid conservation, physicochemical variation, residue mobility, and thermodynamic stability) has been performed for this missense variant. However, the output from this modeling did not meet the statistical confidence thresholds required to predict the impact of this variant on USH2A protein function. For these reasons, this variant has been classified as Pathogenic.

First Genomix Gene Laboratory, Genetic Diagnostics Department
Classification: Pathogenic for Retinitis pigmentosa 39; Usher syndrome type 2A. Last evaluated: 2025-07-11. Review status: criteria provided, single submitter. Criteria: ACMG Guidelines, 2015. Collection method: clinical testing. Allele origin: germline. Inheritance: Autosomal recessive inheritance. Affected: no. Observed: 1 variant allele.

Natera, Inc.
Classification: Pathogenic for Usher syndrome type 2A. Last evaluated: 2024-06-14. Review status: criteria provided, single submitter. Criteria: Natera Variant Classification Schema (03/2026). Collection method: clinical testing. Allele origin: germline.
Comment: The c.1531G>A variant in USH2A is a missense variant predicted to cause substitution of glutamic acid to lysine at amino acid 511. This variant is rare in the general population with a frequency below the threshold expected for the associated phenotype(s). This variant has been observed in one or more individuals affected with the associated recessive disease, as either homozygous or compound heterozygous with a second variant (PMID: 24944099, 27460420, 33576794). This variant has been observed to segregate in affected family members (PMID: 34781295). Computational prediction algorithms indicate this variant is likely to affect gene or protein function. Given the available evidence, this variant is classified as Pathogenic.

Blueprint Genetics
Classification: Pathogenic for USH2A-related disorders. Last evaluated: 2024-06-06. Review status: criteria provided, single submitter. Criteria: ACMG Guidelines, 2015. Collection method: clinical testing. Allele origin: germline. Affected: yes. Observed: 3 variant alleles.

Women's Health and Genetics/Laboratory Corporation of America, LabCorp
Classification: Pathogenic for Usher syndrome. Last evaluated: 2024-04-01. Review status: criteria provided, single submitter. Criteria: LabCorp Variant Classification Summary - May 2015. Collection method: clinical testing. Allele origin: germline.
Comment: Variant summary: USH2A c.1531G>A (p.Glu511Lys) results in a conservative amino acid change located in the Laminin, N-terminal domain (IPR008211) of the encoded protein sequence. Three of five in-silico tools predict a damaging effect of the variant on protein function. The variant allele was found at a frequency of 4e-06 in 250750 control chromosomes (gnomAD). c.1531G>A has been reported in the literature in multiple individuals affected with Usher Syndrome (e.g. Baux_2014, Bonnet_2016, Fuster-Garcia_2018, Weisschuh_2020, Columbo_2021). These data indicate that the variant is very likely to be associated with disease. The following publications have been ascertained in the context of this evaluation (PMID: 24944099, 32531858, 33576794, 30459346, 27460420). ClinVar contains an entry for this variant (Variation ID: 806356). Based on the evidence outlined above, the variant was classified as pathogenic.

Fulgent Genetics
Classification: Pathogenic for Usher syndrome type 2A; Retinitis pigmentosa 39. Last evaluated: 2024-03-31. Review status: criteria provided, single submitter. Criteria: ACMG Guidelines, 2015. Collection method: clinical testing. Allele origin: germline.

Baylor Genetics
Classification: Pathogenic for Retinitis pigmentosa 39. Last evaluated: 2023-10-11. Review status: criteria provided, single submitter. Criteria: ACMG Guidelines, 2015. Collection method: clinical testing. Allele origin: unknown.

CeGaT Center for Human Genetics Tuebingen
Classification: Uncertain significance. Last evaluated: 2019-02-01. Review status: criteria provided, single submitter. Criteria: CeGaT Center For Human Genetics Tuebingen Variant Classification Criteria Version 2. Collection method: clinical testing. Allele origin: germline. Affected: yes. Observed: 1 variant allele.

Literature cited by the submitters: PubMed 24944099 (cited by 3 submitters); PubMed 27460420 (cited by 3 submitters); PubMed 30459346 (cited by Labcorp Genetics (formerly Invitae), Labcorp and Women's Health and Genetics/Laboratory Corporation of America, LabCorp); PubMed 33576794 (cited by 3 submitters); PubMed 34781295 (cited by Natera, Inc.); PubMed 32531858 (cited by Women's Health and Genetics/Laboratory Corporation of America, LabCorp).

NM_206933.4(USH2A):c.1531G>A (p.Glu511Lys)

Gene: USH2A (usherin; minus strand). Cytogenetic location: 1q41.
Variant type: single nucleotide variant.
Coding change: c.1531G>A on transcript NM_206933.4 (MANE Select); coding-DNA position 1531, G replaced by A.
Protein change: p.Glu511Lys; replaces glutamic acid 511 with lysine.
Molecular consequence: missense variant.
Genome position (GRCh38, 1-based): chr1:216,323,493, C>T on the plus strand (G>A on the coding strand, the complement: USH2A is on the minus strand). VCF-style: chr1-216323493-C-T. GRCh37 (hg19) VCF-style: chr1-216496835-C-T.
Other names: c.1531G>A, p.Glu511Lys (NM_007123.6); short protein forms E511K.
Identifiers: ClinVar variation 806356 (VCV000806356.54), dbSNP rs767209934, ClinGen allele CA1396497.